The following is an entry in ClinVar:

ClinVar aggregate classification (germline): Conflicting classifications of pathogenicity. Review status: criteria provided, conflicting classifications (1 of 4 stars). 5 submissions from 5 submitters: Uncertain significance (3); Likely benign (2). Last evaluated 2025-12-22.

Conditions:
Pancreatic cancer, susceptibility to, 2. Identifiers: Orphanet 1333, MedGen C3150546, MONDO:0013235, OMIM 613347.
Glioma susceptibility 3 (GLM3). Also called: Glioblastoma 3. Identifiers: Orphanet 182067, Orphanet 360, MedGen C2751641, MONDO:0013093, OMIM 613029.
Familial prostate cancer. Also called: Hereditary Prostate Cancer. Identifiers: MedGen C2931456, MONDO:0700275, OMIM 176807.
Breast-ovarian cancer, familial, susceptibility to, 2 (BROVCA2). Also called: BRCA2 Hereditary Breast and Ovarian Cancer. Identifiers: Orphanet 145, MedGen C2675520, MONDO:0012933, OMIM 612555. Disease mechanism: loss of function.
Fanconi anemia complementation group D1. Also called: BRCA2-Related Fanconi Anemia. Identifiers: Orphanet 319462, MedGen C1838457, MONDO:0011584, OMIM 605724.
Medulloblastoma (MDB). Also called: Medulloblastoma, somatic; MEDULLOBLASTOMA PREDISPOSITION SYNDROME. Identifiers: Orphanet 616, MedGen C0025149, MeSH D008527, MONDO:0007959, OMIM 155255, HP:0002885.
Wilms tumor 1 (WT1). Also called: Wilms tumor, somatic. Identifiers: Orphanet 654, MedGen CN033288, MONDO:0008679, OMIM 194070.
Familial cancer of breast. Also called: BREAST CANCER, FAMILIAL; hereditary breast carcinoma; Hereditary breast cancer. Identifiers: Orphanet 227535, MedGen C0346153, MONDO:0016419, OMIM 114480. Disease mechanism: loss of function.
Hereditary cancer-predisposing syndrome. Also called: Neoplastic Syndromes, Hereditary; Tumor predisposition; Hereditary Cancer Syndrome; Hereditary neoplastic syndrome. Identifiers: Orphanet 140162, MedGen C0027672, MeSH D009386, MONDO:0015356.
Hereditary breast ovarian cancer syndrome. Also called: Breast and ovarian cancer; Hereditary breast and ovarian cancer; Hereditary breast and ovarian cancer syndrome (HBOC); Hereditary breast and ovarian cancer syndrome; BRCA1- and BRCA2-Associated Hereditary Breast and Ovarian Cancer; Hereditary breast and/or ovarian cancer syndrome. Identifiers: Orphanet 145, MedGen C0677776, MeSH D061325, MONDO:0003582. Disease mechanism: loss of function.

Allele frequency attached by ClinVar (database versions not stated): gnomAD 0.00001; TOPMed 0.00002.
gnomAD v4.1: 16 of 1,604,816 alleles (0.001%); highest among the groups gnomAD compares: Non-Finnish European, 0.0013%; no homozygotes.

Submissions (5):

Labcorp Genetics (formerly Invitae), Labcorp
Classification: Likely benign for Hereditary breast ovarian cancer syndrome. Last evaluated: 2025-12-22. Review status: criteria provided, single submitter. Criteria: Invitae Variant Classification Sherloc (09022015). Collection method: clinical testing. Allele origin: germline.

Fulgent Genetics
Classification: Uncertain significance for Familial cancer of breast; Medulloblastoma; Familial prostate cancer; Wilms tumor 1; Fanconi anemia complementation group D1; Breast-ovarian cancer, familial, susceptibility to, 2; Glioma susceptibility 3; Pancreatic cancer, susceptibility to, 2. Last evaluated: 2024-06-20. Review status: criteria provided, single submitter. Criteria: ACMG Guidelines, 2015. Collection method: clinical testing. Allele origin: germline.

Women's Health and Genetics/Laboratory Corporation of America, LabCorp
Classification: Uncertain significance. Last evaluated: 2018-06-01. Review status: criteria provided, single submitter. Criteria: LabCorp Variant Classification Summary - May 2015. Collection method: clinical testing. Allele origin: germline.
Comment: Variant summary: BRCA2 c.7618-16T>G alters a non-conserved nucleotide located close to a canonical splice site and therefore could affect mRNA splicing, leading to a significantly altered protein sequence. Several computational tools predict a significant impact on normal splicing: one predicts that the variant abolishes a 3 prime acceptor site, and two predict the weakening of the 3 prime acceptor site. An in silico study also predicted that the variant of interest weakens a natural splicing site (Mucaki 2011). However, these predictions have yet to be confirmed by functional studies. The variant was absent in 243754 control chromosomes. The available data on variant occurrences in the general population are insufficient to allow any conclusion about variant significance. To our knowledge, no occurrence of c.7618-16T>G in individuals affected with Hereditary Breast and Ovarian Cancer and no experimental evidence demonstrating its impact on protein function have been reported. Two clinical diagnostic laboratories have submitted clinical-significance assessments for this variant to ClinVar after 2014 without evidence for independent evaluation. One laboratory classified the variant as likely benign, and one laboratory classified the variant as uncertain significance. Based on the evidence outlined above, the variant was classified as uncertain significance.

GeneDx
Classification: Uncertain significance. Last evaluated: 2016-02-09. Review status: criteria provided, single submitter. Criteria: GeneDx Variant Classification (06012015). Collection method: clinical testing. Allele origin: germline. Affected: yes.
Comment: This variant is denoted BRCA2 c.7618-16T>G or IVS15-16T>G and consists of a T>G nucleotide substitution at the -16 position of intron 15 of the BRCA2 gene. Using alternate nomenclature, this variant would be defined as BRCA2 7846-16T>G. Multiple in silico models predict this variant to weaken the nearby natural acceptor site, and to possibly cause abnormal gene splicing; however, in the absence of RNA or functional studies, the actual effect of this variant is unknown. This variant has not, to our knowledge, been published in the literature as pathogenic or benign. BRCA2 c.7618-16T>G was not observed in approximately 6,500 individuals of European and African American ancestry in the NHLBI Exome Sequencing Project, suggesting it is not a common benign variant in these populations. The thymine (T) nucleotide that is altered is not conserved across species. Based on currently available information, it is unclear whether BRCA2 c.7618-16T>G is pathogenic or benign.

Color Diagnostics, LLC DBA Color Health
Classification: Likely benign for Hereditary cancer-predisposing syndrome. Last evaluated: 2015-04-13. Review status: criteria provided, single submitter. Criteria: ACMG Guidelines, 2015. Collection method: clinical testing. Allele origin: germline.

Literature cited by the submitters: PubMed 21523855 (cited by Women's Health and Genetics/Laboratory Corporation of America, LabCorp).

NM_000059.4(BRCA2):c.7618-16T>G

Gene: BRCA2 (BRCA2 DNA repair associated; plus strand). Cytogenetic location: 13q13.1.
Variant type: single nucleotide variant.
Coding change: c.7618-16T>G on transcript NM_000059.4 (MANE Select); 16 bases into the intron before coding-DNA position 7618, T replaced by G.
Molecular consequence: intron variant.
Genome position (GRCh38, 1-based): chr13:32,357,726, T>G. VCF-style: chr13-32357726-T-G. GRCh37 (hg19) VCF-style: chr13-32931863-T-G.
Identifiers: ClinVar variation 52367 (VCV000052367.15), dbSNP rs397507924, ClinGen allele CA025187.